The following is an entry in ClinVar:

ClinVar aggregate classification (germline): Uncertain significance (1 of 4 stars; one submission).

Conditions:
Hereditary cancer-predisposing syndrome. Also called: Neoplastic Syndromes, Hereditary; Tumor predisposition; Hereditary Cancer Syndrome; Hereditary neoplastic syndrome. Identifiers: Orphanet 140162, MedGen C0027672, MeSH D009386, MONDO:0015356.

Submission:

Ambry Genetics
Classification: Uncertain significance for Hereditary cancer-predisposing syndrome. Last evaluated: 2017-01-06. Review status: criteria provided, single submitter. Criteria: Ambry Variant Classification Scheme 2023. Collection method: clinical testing. Allele origin: germline.
Comment: The p.K45Q variant (also known as c.133A>C), located in coding exon 3 of the PALB2 gene, results from an A to C substitution at nucleotide position 133. The lysine at codon 45 is replaced by glutamine, an amino acid with similar properties. This amino acid position is well conserved in available vertebrate species. In addition, this alteration is predicted to be tolerated by in silico analysis. Since supporting evidence is limited at this time, the clinical significance of this alteration remains unclear.

NM_024675.4(PALB2):c.133A>C (p.Lys45Gln)

Gene: PALB2 (partner and localizer of BRCA2; minus strand). Cytogenetic location: 16p12.2.
Variant type: single nucleotide variant.
Coding change: c.133A>C on transcript NM_024675.4 (MANE Select); coding-DNA position 133, A replaced by C.
Protein change: p.Lys45Gln; replaces lysine 45 with glutamine.
Molecular consequence: missense variant.
Genome position (GRCh38, 1-based): chr16:23,637,928, T>G on the plus strand (A>C on the coding strand, the complement: PALB2 is on the minus strand). VCF-style: chr16-23637928-T-G. GRCh37 (hg19) VCF-style: chr16-23649249-T-G.
Other names: short protein forms K45Q.
Identifiers: ClinVar variation 484214 (VCV000484214.5), dbSNP rs1555462067, ClinGen allele CA395139354.